The following is an entry in ClinVar:

ClinVar aggregate classification (germline): Conflicting classifications of pathogenicity. Review status: criteria provided, conflicting classifications (1 of 4 stars). 8 submissions from 8 submitters: Uncertain significance (2); Likely benign (4). 2 of the submissions do not count toward it. Last evaluated 2026-06-08.

Conditions:
Cardiovascular phenotype. Identifiers: MedGen CN230736.
LAMA4-related disorder. Also called: LAMA4-related condition.
Dilated cardiomyopathy 1JJ (CMD1JJ). Identifiers: Orphanet 154, MedGen C3808935, MONDO:0014095, OMIM 615235.

Allele frequency attached by ClinVar (database versions not stated): 1000 Genomes Project 30x 0.00047; gnomAD 0.00012 and 0.00017; gnomAD exomes 0.00044 and 0.00027; 1000 Genomes Project 0.00060; TOPMed 0.00017; ExAC 0.00045.
gnomAD v4.1: 426 of 1,613,702 alleles (0.026%); highest among the groups gnomAD compares: South Asian, 0.2%; 4 homozygotes.

Submissions (8):

Women's Health and Genetics/Laboratory Corporation of America, LabCorp
Classification: Likely benign. Last evaluated: 2026-06-08. Review status: criteria provided, single submitter. Criteria: LabCorp Variant Classification Summary - May 2015. Collection method: clinical testing. Allele origin: germline.

Labcorp Genetics (formerly Invitae), Labcorp
Classification: Likely benign for Dilated cardiomyopathy 1JJ. Last evaluated: 2026-01-24. Review status: criteria provided, single submitter. Criteria: Invitae Variant Classification Sherloc (09022015). Collection method: clinical testing. Allele origin: germline.

Ambry Genetics
Classification: Likely benign for Cardiovascular phenotype. Last evaluated: 2021-11-22. Review status: criteria provided, single submitter. Criteria: Ambry Variant Classification Scheme 2023. Collection method: clinical testing. Allele origin: germline.

GeneDx
Classification: Likely benign. Last evaluated: 2020-09-23. Review status: criteria provided, single submitter. Criteria: GeneDx Variant Classification Process June 2021. Collection method: clinical testing. Allele origin: germline. Affected: yes.
Comment: This variant is associated with the following publications: (PMID: 28798025, 25979592)

Fulgent Genetics
Classification: Uncertain significance for Dilated cardiomyopathy 1JJ. Last evaluated: 2018-10-31. Review status: criteria provided, single submitter. Criteria: ACMG Guidelines, 2015. Collection method: clinical testing. Allele origin: unknown.

Laboratory for Molecular Medicine, Mass General Brigham Personalized Medicine
Classification: Uncertain significance. Last evaluated: 2012-11-14. Review status: criteria provided, single submitter. Criteria: LMM Criteria. Collection method: clinical testing. Allele origin: germline. Observed: 1 variant allele.
Comment: The Pro1750Leu variant in LAMA4 has not been reported in the literature nor prev iously identified by our laboratory or in large and broad European American and African American populations screened by the NHLBI Exome Sequencing Project. It was detected in 1/196 Tuscan chromosomes fro m a broad population by the 1000 Genomes Sequencing Project (dbSNP rs200177134). The low frequency of this variant is insufficient to assess its clinical signif icance. Computational analyses (biochemical amino acid properties, conservation, AlignGVGD, PolyPhen2, and SIFT) do not provide strong support for or against an impact to the protein. In summary, additional information is needed to fully as sess the clinical significance of the Pro1750Leu variant.

PreventionGenetics, part of Exact Sciences
Classification: Likely benign for LAMA4-related condition. Last evaluated: 2019-11-16. Review status: no assertion criteria provided. Collection method: clinical testing. Allele origin: germline. Not counted in ClinVar's aggregate classification.
Comment: This variant is classified as likely benign based on ACMG/AMP sequence variant interpretation guidelines (Richards et al. 2015 PMID: 25741868, with internal and published modifications).

Clinical Molecular Genetics Laboratory, Johns Hopkins All Children's Hospital
Classification: Uncertain significance. Last evaluated: 2016-09-23. Review status: no assertion criteria provided. Collection method: clinical testing. Allele origin: germline. Not counted in ClinVar's aggregate classification.

NM_001105206.3(LAMA4):c.5270C>T (p.Pro1757Leu)

Gene: LAMA4 (laminin subunit alpha 4; minus strand). Cytogenetic location: 6q21.
Variant type: single nucleotide variant.
Coding change: c.5270C>T on transcript NM_001105206.3 (MANE Select); coding-DNA position 5270, C replaced by T.
Protein change: p.Pro1757Leu; replaces proline 1757 with leucine.
Molecular consequence: missense variant.
Genome position (GRCh38, 1-based): chr6:112,114,132, G>A on the plus strand (C>T on the coding strand, the complement: LAMA4 is on the minus strand). VCF-style: chr6-112114132-G-A. GRCh37 (hg19) VCF-style: chr6-112435335-G-A.
Other names: c.5249C>T, p.Pro1750Leu (NM_001105207.3, NM_002290.5); short protein forms P1750L, P1757L.
Identifiers: ClinVar variation 44404 (VCV000044404.23), dbSNP rs200177134, ClinGen allele CA134057.